The following is an entry in ClinVar:

Conditions:
Long QT syndrome 5 (LQT5). Identifiers: Orphanet 101016, Orphanet 768, MedGen C1867904, MONDO:0013372, OMIM 613695.

Submission:

Roden Lab, Vanderbilt University Medical Center
No classification provided (evidence only). Condition: Long QT syndrome 5. Review status: no classification provided. Collection method: in vitro. Allele origin: not applicable. Functional consequence: Effect on ion channel function.
ClinVar note: "not provided" was previously submitted as the classification for the variant. However, the classification appeared to be based only on an observation of functional data so it was converted to no classification on 2025-07-30.

NM_000219.6(KCNE1):c.257C>T (p.Ala86Val)

Gene: KCNE1 (potassium voltage-gated channel subfamily E regulatory subunit 1; minus strand). Cytogenetic location: 21q22.12.
Variant type: single nucleotide variant.
Coding change: c.257C>T on transcript NM_000219.6 (MANE Select); coding-DNA position 257, C replaced by T.
Protein change: p.Ala86Val; replaces alanine 86 with valine.
Molecular consequence: missense variant.
Genome position (GRCh38, 1-based): chr21:34,449,378, G>A on the plus strand (C>T on the coding strand, the complement: KCNE1 is on the minus strand). VCF-style: chr21-34449378-G-A. GRCh37 (hg19) VCF-style: chr21-35821676-G-A.
Other names: c.257C>T, p.Ala86Val (NM_001127670.4, NM_001270402.3, NM_001270403.2 and 4 more transcripts); short protein forms A86V.
Identifiers: ClinVar variation 3374458 (VCV003374458.2).
Genomic context (GRCh38, chr21:34,449,378, plus strand): 5'-CACGACCTGTAGCTCTCCAGGACCCGGGCCTGGACATAGGCCTTGTCCTTCTCTTGCCAG[G>A]CATCGGACTCGATGTAGACGTTGAATGGGTCGTTCGAGTGCTCCAGCTTCTTGGAGCGGA-3'
Protein context (NP_000210.2, residues 76-96): DPFNVYIESD[Ala86Val]WQEKDKAYVQ